The following is an entry in ClinVar:

ClinVar aggregate classification (germline): Uncertain significance. Review status: criteria provided, multiple submitters, no conflicts (2 of 4 stars). 2 submissions from 2 submitters: Uncertain significance (2). Last evaluated 2026-04-14.

Conditions:
Familial intrahepatic cholestasis. Identifiers: Orphanet 284385, MedGen CN296401, MONDO:0017290.

Allele frequency attached by ClinVar (database versions not stated): gnomAD exomes 0.00001; ExAC 0.00002; TOPMed 0.00003; gnomAD 0.00004; ESP Exome Variant Server 0.00008.
gnomAD v4.1: 18 of 1,613,958 alleles (0.0011%); highest among the groups gnomAD compares: East Asian, 0.0022%; no homozygotes.

Submissions (2):

Genomenon, Inc
Classification: Uncertain significance for Familial intrahepatic cholestasis. Last evaluated: 2026-04-14. Review status: criteria provided, single submitter. Criteria: Genomenon Sequence Variant Interpretation Standards - Updated. Collection method: curation. Allele origin: germline. Affected: yes.
Comment: ABCB4 p.Met630Val (c.1888A>G) is a missense variant that changes the amino acid at residue 630 from Methionine to Valine. This variant has been observed in at least one proband with an ABCB4-related phenotype (PMID:21119540;17726488). It is absent or not present at a significant frequency in gnomAD. In conclusion, we classify ABCB4 p.Met630Val (c.1888A>G) as a variant of uncertain significance.

Revvity Omics, Revvity
Classification: Uncertain significance. Last evaluated: 2020-12-31. Review status: criteria provided, single submitter. Criteria: ACMG Guidelines, 2015. Collection method: clinical testing. Allele origin: germline.

Literature cited by the submitters: PubMed 21119540 (cited by Genomenon, Inc); PubMed 17726488 (cited by Genomenon, Inc).

NM_000443.4(ABCB4):c.1888A>G (p.Met630Val)

Gene: ABCB4 (ATP binding cassette subfamily B member 4; minus strand). Cytogenetic location: 7q21.12.
Variant type: single nucleotide variant.
Coding change: c.1888A>G on transcript NM_000443.4 (MANE Select); coding-DNA position 1888, A replaced by G.
Protein change: p.Met630Val; replaces methionine 630 with valine.
Molecular consequence: missense variant.
Genome position (GRCh38, 1-based): chr7:87,431,409, T>C on the plus strand (A>G on the coding strand, the complement: ABCB4 is on the minus strand). VCF-style: chr7-87431409-T-C. GRCh37 (hg19) VCF-style: chr7-87060725-T-C.
Other names: c.1888A>G, p.Met630Val (NM_018849.3, NM_018850.3); short protein forms M630V.
Identifiers: ClinVar variation 2438734 (VCV002438734.4), dbSNP rs372476723, ClinGen allele CA4327188.